The following is an entry in ClinVar:

NM_170707.4(LMNA):c.1489-5T>C

Gene: LMNA (lamin A/C; plus strand). Cytogenetic location: 1q22.
Variant type: single nucleotide variant.
Coding change: c.1489-5T>C on transcript NM_170707.4 (MANE Select); 5 bases into the intron before coding-DNA position 1489, T replaced by C.
Molecular consequence: intron variant.
Genome position (GRCh38, 1-based): chr1:156,137,108, T>C. VCF-style: chr1-156137108-T-C. GRCh37 (hg19) VCF-style: chr1-156106899-T-C.
Other names: c.1489-5T>C (NM_001406983.1, NM_001282625.2, NM_001406984.1 and 6 more transcripts); c.931-5T>C (NM_001407002.1, NM_001406993.1, NM_001407003.1 and 4 more transcripts); c.865-5T>C (NM_001406999.1, NM_001407000.1, NM_001406994.1 and 1 more transcripts); c.1246-5T>C (NM_001406986.1, NM_001406987.1, NM_001282624.2); c.1153-5T>C (NM_001406989.1, NM_001257374.3, NM_001406998.1); c.1192-5T>C (NM_001406988.1).
Identifiers: ClinVar variation 3070333 (VCV003070333.1), dbSNP rs2528010413, ClinGen allele CA2825000856.

ClinVar aggregate classification (germline): Uncertain significance (1 of 4 stars; one submission).

Conditions:
Primary dilated cardiomyopathy (DCM). Also called: Dilated Cardiomyopathy. Identifiers: Orphanet 217604, MedGen C0007193, MeSH D002311, MONDO:0005021, HP:0001644. Inheritance: Various modes of inheritance.

Submission:

All of Us Research Program, National Institutes of Health
Classification: Uncertain significance for Primary dilated cardiomyopathy. Last evaluated: 2023-04-03. Review status: criteria provided, single submitter. Criteria: ACMG Guidelines, 2015. Collection method: clinical testing. Allele origin: germline. Inheritance: Autosomal dominant inheritance. Observed: 1 variant allele, 1 heterozygote.
Comment: This variant causes a T to C nucleotide substitution at the -5 position of intron 8 of the LMNA gene. Splice site prediction tools are inconclusive regarding the impact of this variant on RNA splicing. To our knowledge, functional studies have not been reported for this variant. This variant has not been reported in individuals affected with cardiovascular disorders in the literature. This variant has not been identified in the general population by the Genome Aggregation Database (gnomAD). The available evidence is insufficient to determine the role of this variant in disease conclusively. Therefore, this variant is classified as a Variant of Uncertain Significance.

This study involves interpretation of variants in research participants for the purpose of population health screening. Participant phenotype was not available at the time of variant classification. Additional details can be found in publication PMID: 35346344, PMCID: PMC8962531